The following is an entry in ClinVar:

NM_001040142.2(SCN2A):c.3230G>A (p.Gly1077Asp)

Gene: SCN2A (sodium voltage-gated channel alpha subunit 2; plus strand). Cytogenetic location: 2q24.3.
Variant type: single nucleotide variant.
Coding change: c.3230G>A on transcript NM_001040142.2 (MANE Select); coding-DNA position 3230, G replaced by A.
Protein change: p.Gly1077Asp; replaces glycine 1077 with aspartic acid.
Molecular consequence: missense variant.
Genome position (GRCh38, 1-based): chr2:165,354,502, G>A. VCF-style: chr2-165354502-G-A. GRCh37 (hg19) VCF-style: chr2-166211012-G-A.
Other names: c.3230G>A, p.Gly1077Asp (NM_001040143.2, NM_001371246.1, NM_001371247.1 and 1 more transcripts); short protein forms G1077D.
Identifiers: ClinVar variation 2501659 (VCV002501659.1), dbSNP rs1700083139, ClinGen allele CA349021397.

ClinVar aggregate classification (germline): Uncertain significance (1 of 4 stars; one submission).

Submission:

GeneDx
Classification: Uncertain significance. Last evaluated: 2023-05-03. Review status: criteria provided, single submitter. Criteria: GeneDx Variant Classification Process June 2021. Collection method: clinical testing. Allele origin: germline. Affected: yes.
Comment: Not observed at significant frequency in large population cohorts (gnomAD); Missense variants in this gene are often considered pathogenic (HGMD); In silico analysis supports that this missense variant has a deleterious effect on protein structure/function; Has not been previously published as pathogenic or benign to our knowledge; This substitution is predicted to be in the cytoplasmic loop between the second and third homologous domains